The following is an entry in ClinVar:

ClinVar aggregate classification (germline): Conflicting classifications of pathogenicity. Review status: criteria provided, conflicting classifications (1 of 4 stars). 4 submissions from 4 submitters: Uncertain significance (1); Likely benign (3). Last evaluated 2026-05-13.

Conditions:
Geleophysic dysplasia 1 (GPHYSD1). Also called: Geleophysic dwarfism. Identifiers: Orphanet 2623, MedGen C3278147, MONDO:0009269, OMIM 231050.

Allele frequency attached by ClinVar (database versions not stated): TOPMed 0.00279; 1000 Genomes Project 30x 0.00281; gnomAD 0.00293 and 0.00297.
gnomAD v4.1: 5,639 of 1,607,934 alleles (0.35%); highest among the groups gnomAD compares: Middle Eastern, 1.1%; 12 homozygotes.

Submissions (4):

Women's Health and Genetics/Laboratory Corporation of America, LabCorp
Classification: Likely benign. Last evaluated: 2026-05-13. Review status: criteria provided, single submitter. Criteria: LabCorp Variant Classification Summary - May 2015. Collection method: clinical testing. Allele origin: germline.

CeGaT Center for Human Genetics Tuebingen
Classification: Likely benign. Last evaluated: 2026-05-01. Review status: criteria provided, single submitter. Criteria: CeGaT Center For Human Genetics Tuebingen Variant Classification Criteria Version 2. Collection method: clinical testing. Allele origin: germline. Affected: yes. Observed: 5 variant alleles.
Comment: ADAMTSL2: BP4, BP7

GeneDx
Classification: Likely benign. Last evaluated: 2020-03-24. Review status: criteria provided, single submitter. Criteria: GeneDx Variant Classification Process June 2021. Collection method: clinical testing. Allele origin: germline. Affected: yes.

Illumina Laboratory Services, Illumina
Classification: Uncertain significance for Geleophysic dysplasia 1. Last evaluated: 2018-01-13. Review status: criteria provided, single submitter. Criteria: ICSL Variant Classification Criteria 13 December 2019. Collection method: clinical testing. Allele origin: germline.

NM_014694.4(ADAMTSL2):c.2007C>T (p.Ala669=)

Gene: ADAMTSL2 (ADAMTS like 2; plus strand). Cytogenetic location: 9q34.2.
Variant type: single nucleotide variant.
Coding change: c.2007C>T on transcript NM_014694.4 (MANE Select); coding-DNA position 2007, C replaced by T.
Protein change: p.Ala669=; no amino-acid change (alanine 669 retained).
Molecular consequence: synonymous variant.
Genome position (GRCh38, 1-based): chr9:133,568,405, C>T. VCF-style: chr9-133568405-C-T. GRCh37 (hg19) VCF-style: chr9-136433527-C-T.
Other names: c.2007C>T, p.Ala669= (NM_001145320.2).
Identifiers: ClinVar variation 914904 (VCV000914904.32), dbSNP rs372073271, ClinGen allele CA200936572.